The following continues an entry in ClinVar:

NM_000092.5(COL4A4):c.1334G>C (p.Gly445Ala)

Gene: COL4A4. ClinVar aggregate classification (germline): Conflicting classifications of pathogenicity. Likely pathogenic (8); Uncertain significance (3).

Submissions 6 to 12 of 12:

PreventionGenetics, part of Exact Sciences
Classification: Likely pathogenic for COL4A4-related condition. Last evaluated: 2025-08-26. Review status: criteria provided, single submitter. Criteria: ACMG Guidelines, 2015. Collection method: clinical testing. Allele origin: germline.
Comment: The COL4A4 c.1334G>C variant is predicted to result in the amino acid substitution p.Gly445Ala. This variant is reported in 0.055% of alleles in individuals of Latino descent in gnomAD. This variant affects a glycine (Gly) residue of the conserved triple helical domain (residues 65 – 1459) of the COL4A4 protein, where substitutions of the glycine (Gly) residue are usually pathogenic (Hudson et al. 1993. PubMed ID: 8253711). This variant has been reported in the heterozygous state in individuals and family members with COL4A4-related disorders (Topak et al. 2023. PubMed ID: 37078890; Table S1, Furlano et al. 2024. PubMed ID: 38317457). This variant has also been reported with c.2570C>T (p.Pro857Leu) with unknown phase in an individual with nephrotic syndrome (Bekheirnia et al. 2021. PubMed ID: 35368817; Ben Moshe et al. 2022. PubMed ID: 36239278); however, PreventionGenetics internal data suggests these two variants likely commonly occur on the same allele and this is supported by "co-occurrence of two variants (same haplotype)" search in gnomAD. In addition, at other glycine (Gly) residues within this domain, substitutions of a glycine (Gly) with an alanine (Ala) have been widely reported to be pathogenic for autosomal dominant COL4A4 nephropathy (see for example, p.Gly442Ala in Bekheirnia et al. 2021. PubMed ID: 35368817; p.Gly77Ala in Table S2, Jayasinghe et al. 2021. PubMed ID: 32939031; p.Gly243Ala in Gribouval et al. 2018. PubMed ID: 30348286; p.Gly276Ala in Imafuku et al. 2017. PubMed ID: 28704582; p.Gly837Ala in Izumi et al. 2019. PubMed ID: 31677115; p.Gly1216Ala in Supplementary Table 1, Sun et al. 2018. PubMed ID: 30076350; p.Gly1392Ala in Table S7, Groopman et al. 2019. PubMed ID: 30586318). The c.1334G>C (p.Gly445Ala) variant is interpreted as likely pathogenic for both autosomal dominant and recessive COL4A4-related Alport syndrome spectrum disorders.

Natera, Inc.
Classification: Likely pathogenic for Alport syndrome. Last evaluated: 2025-08-20. Review status: criteria provided, single submitter. Criteria: Natera Variant Classification Schema (03/2026). Collection method: clinical testing. Allele origin: germline.
Comment: The c.1334G>C variant in COL4A4 is a missense variant predicted to cause substitution of glycine to alanine at amino acid 445. This variant is rare in the general population with a frequency below the threshold expected for the associated phenotype(s). This variant has been observed in affected individual(s) with monoallelic occurrence (heterozygous/hemizygous) (PMID: 38972501, 38317457, 37078890). This variant is located in a functionally critical region of the protein. Computational prediction algorithms indicate this variant is likely to affect gene or protein function. Given the available evidence, this variant is classified as Likely Pathogenic.

Fulgent Genetics
Classification: Likely pathogenic for Hematuria, benign familial, 1; Autosomal recessive Alport syndrome. Last evaluated: 2024-02-09. Review status: criteria provided, single submitter. Criteria: ACMG Guidelines, 2015. Collection method: clinical testing. Allele origin: germline.

Blueprint Genetics
Classification: Uncertain significance. Last evaluated: 2022-06-03. Review status: criteria provided, single submitter. Criteria: ACMG Guidelines, 2015. Collection method: clinical testing. Allele origin: germline.

Clinical Genetics Service, Universitary Hospital 12 de Octubre
Classification: Likely pathogenic for Autosomal recessive Alport syndrome. Review status: criteria provided, single submitter. Criteria: ACMG Guidelines, 2015. Collection method: clinical testing. Allele origin: paternal. Affected: yes.

Clinical Genetics Service, Universitary Hospital 12 de Octubre
Classification: Likely pathogenic for Hematuria, benign familial, 1. Review status: criteria provided, single submitter. Criteria: ACMG Guidelines, 2015. Collection method: clinical testing. Allele origin: germline. Affected: yes.

Bioscientia Institut fuer Medizinische Diagnostik GmbH, Sonic Healthcare
Classification: Likely pathogenic for Autosomal dominant Alport syndrome. Last evaluated: 2019-10-07. Review status: no assertion criteria provided. Collection method: clinical testing. Allele origin: germline. Affected: yes. Not counted in ClinVar's aggregate classification.

Literature cited by the submitters: PubMed 35368817 (cited by 3 submitters); PubMed 36239278 (cited by 3 submitters); PubMed 37078890 (cited by 5 submitters); PubMed 38317457 (cited by Women's Health and Genetics/Laboratory Corporation of America, LabCorp and Natera, Inc.); PubMed 38972501 (cited by Women's Health and Genetics/Laboratory Corporation of America, LabCorp and Natera, Inc.); PubMed 24046192 (cited by Victorian Clinical Genetics Services, Murdoch Childrens Research Institute); PubMed 39430195 (cited by Victorian Clinical Genetics Services, Murdoch Childrens Research Institute); PubMed 16467446 (cited by Victorian Clinical Genetics Services, Murdoch Childrens Research Institute); PubMed 12028435 (cited by Victorian Clinical Genetics Services, Murdoch Childrens Research Institute); PubMed 28704582 (cited by Victorian Clinical Genetics Services, Murdoch Childrens Research Institute); PubMed 17942953 (cited by Victorian Clinical Genetics Services, Murdoch Childrens Research Institute); PubMed 24509478 (cited by Victorian Clinical Genetics Services, Murdoch Childrens Research Institute); PubMed 33854215 (cited by Variantyx, Inc.).